The following is an entry in ClinVar:

NM_001353345.2(SETD1B):c.2645G>A (p.Arg882His)

Gene: SETD1B (SET domain containing 1B, histone lysine methyltransferase; plus strand). Cytogenetic location: 12q24.31.
Variant type: single nucleotide variant.
Coding change: c.2645G>A on transcript NM_001353345.2 (MANE Select); coding-DNA position 2645, G replaced by A.
Protein change: p.Arg882His; replaces arginine 882 with histidine.
Molecular consequence: missense variant.
Genome position (GRCh38, 1-based): chr12:121,814,860, G>A. VCF-style: chr12-121814860-G-A. GRCh37 (hg19) VCF-style: chr12-122252766-G-A.
Other names: short protein forms R882H.
Identifiers: ClinVar variation 3392856 (VCV003392856.1).
Genomic context (GRCh38, chr12:121,814,860, plus strand): 5'-ATGGCGTCCTGCTGGTGGTCCTCAAAGAACTCAAGGCCATCATGAAGCGTGACCTGAACC[G>A]CAAGATGGTGGAAGTGGTGGCTTTCCGGGCCTTTGACGAGTGGTGGGACAAGAAGGAGCG-3'
Protein context (NP_001340274.1, residues 872-892): LKAIMKRDLN[Arg882His]KMVEVVAFRA

ClinVar aggregate classification (germline): Uncertain significance (1 of 4 stars; one submission).

Submission:

GeneDx
Classification: Uncertain significance. Last evaluated: 2024-06-28. Review status: criteria provided, single submitter. Criteria: GeneDx Variant Classification Process June 2021. Collection method: clinical testing. Allele origin: germline. Affected: yes.
Comment: Not observed at significant frequency in large population cohorts (gnomAD); In silico analysis supports that this missense variant has a deleterious effect on protein structure/function; Has not been previously published as pathogenic or benign to our knowledge